The following is an entry in ClinVar:

NM_000093.5(COL5A1):c.297_304dup (p.Ile102fs)

Gene: COL5A1 (collagen type V alpha 1 chain; plus strand). Cytogenetic location: 9q34.3.
Variant type: Duplication.
Coding change: c.297_304dup on transcript NM_000093.5 (MANE Select); coding-DNA positions 297 to 304, 8 bases duplicated (CTTCTCCA; older notation c.297_304dupCTTCTCCA).
Protein change: p.Ile102fs; shifts the reading frame from isoleucine 102.
Molecular consequence: frameshift variant.
Genome position (GRCh38, 1-based): chr9:134,699,928-134,699,935, CTTCTCCA duplicated; duplicating any 8 consecutive bases within chr9:134,699,927-134,699,935 gives the same sequence; the c. name uses the placement nearest the transcript's 3' end. VCF-style (leftmost placement, unchanged base first): chr9-134699926-G-GACTTCTCC. GRCh37 (hg19) VCF-style: chr9-137591772-G-GACTTCTCC.
Other names: c.297_304dup, p.Ile102fs (NM_001278074.1); c.297_304dupCTTCTCCA (NM_000093.4); short protein forms I102fs.
Identifiers: ClinVar variation 659911 (VCV000659911.8), dbSNP rs1588448655, ClinGen allele CA915945811.

ClinVar aggregate classification (germline): Pathogenic (1 of 4 stars; one submission).

Conditions:
Ehlers-Danlos syndrome, classic type, 1 (EDSCL1). Also called: EDS I; EHLERS-DANLOS SYNDROME, GRAVIS TYPE; EHLERS-DANLOS SYNDROME, SEVERE CLASSIC TYPE; Ehlers-Danlos Syndrome, Classic Type, COL5A1-Related; Ehlers-Danlos syndrome, type 1. Identifiers: MedGen C0268335, MONDO:0019567, OMIM 130000.

Submission:

Labcorp Genetics (formerly Invitae), Labcorp
Classification: Pathogenic for Ehlers-Danlos syndrome, classic type, 1. Last evaluated: 2018-09-18. Review status: criteria provided, single submitter. Criteria: Invitae Variant Classification Sherloc (09022015). Collection method: clinical testing. Allele origin: germline.
Comment: This sequence change creates a premature translational stop signal (p.Ile102Thrfs*5) in the COL5A1 gene. It is expected to result in an absent or disrupted protein product. This variant is not present in population databases (ExAC no frequency). This variant has not been reported in the literature in individuals with COL5A1-related disease. Loss-of-function variants in COL5A1 are known to be pathogenic (PMID: 23587214). For these reasons, this variant has been classified as Pathogenic.

Literature cited by the submitters: PubMed 23587214.